The following is an entry in ClinVar:

ClinVar aggregate classification (germline): Benign/Likely benign. Review status: criteria provided, multiple submitters, no conflicts (2 of 4 stars). 4 submissions from 4 submitters: Benign (2); Likely benign (2). Last evaluated 2026-01-31.

Allele frequency attached by ClinVar (database versions not stated): 1000 Genomes Project 30x 0.00094; gnomAD exomes 0.00343 and 0.00566; ExAC 0.00298; gnomAD 0.00359 and 0.00348; TOPMed 0.00290; 1000 Genomes Project 0.00100; ESP Exome Variant Server 0.00346.
gnomAD v4.1: 8,819 of 1,612,814 alleles (0.55%); highest among the groups gnomAD compares: Non-Finnish European, 0.66%; 29 homozygotes.

Submissions (4):

Labcorp Genetics (formerly Invitae), Labcorp
Classification: Benign. Last evaluated: 2026-01-31. Review status: criteria provided, single submitter. Criteria: Invitae Variant Classification Sherloc (09022015). Collection method: clinical testing. Allele origin: germline.

GeneDx
Classification: Benign. Last evaluated: 2017-10-26. Review status: criteria provided, single submitter. Criteria: GeneDx Variant Classification (06012015). Collection method: clinical testing. Allele origin: germline. Affected: yes.
Comment: This variant is considered likely benign or benign based on one or more of the following criteria: it is a conservative change, it occurs at a poorly conserved position in the protein, it is predicted to be benign by multiple in silico algorithms, and/or has population frequency not consistent with disease.

Laboratory for Molecular Medicine, Mass General Brigham Personalized Medicine
Classification: Likely benign. Last evaluated: 2015-06-26. Review status: criteria provided, single submitter. Criteria: LMM Criteria. Collection method: clinical testing. Allele origin: germline. Observed: 8 variant alleles.
Comment: p.Val231Ile in exon 5 of CHRM2: This variant is not expected to have clinical si gnificance because it has been identified in 0.4% (299/65916) of European chromo somes by the Exome Aggregation Consortium (ExAC; dbSNP rs76394680).

Breakthrough Genomics
Classification: Likely benign. Review status: criteria provided, single submitter. Criteria: ACMG Guidelines, 2015. Collection method: not provided. Allele origin: germline. Inheritance: Unknown mechanism. Affected: yes.

NM_001006630.2(CHRM2):c.691G>A (p.Val231Ile)

Genes: CHRM2 (cholinergic receptor muscarinic 2; plus strand), LOC349160 (uncharacterized LOC349160; minus strand). Cytogenetic location: 7q33.
Variant type: single nucleotide variant.
Coding change: c.691G>A on transcript NM_001006630.2 (MANE Select); coding-DNA position 691, G replaced by A.
Protein change: p.Val231Ile; replaces valine 231 with isoleucine.
Molecular consequence: missense variant.
Genome position (GRCh38, 1-based): chr7:137,015,556, G>A. VCF-style: chr7-137015556-G-A. GRCh37 (hg19) VCF-style: chr7-136700303-G-A.
Other names: c.691G>A, p.Val231Ile (NM_000739.3, NM_001006626.3, NM_001006627.3 and 6 more transcripts); short protein forms V231I.
Identifiers: ClinVar variation 227248 (VCV000227248.17), dbSNP rs76394680, ClinGen allele CA4500561.
Genomic context (GRCh38, chr7:137,015,556, plus strand): 5'-CGAGCCAGCAAGAGCAGGATAAAGAAGGACAAGAAGGAGCCTGTTGCCAACCAAGACCCC[G>A]TTTCTCCAAGTCTGGTACAAGGAAGGATAGTGAAGCCAAACAATAACAACATGCCCAGCA-3'
Protein context (NP_001006631.1, residues 221-241): KKEPVANQDP[Val231Ile]SPSLVQGRIV